The following is an entry in ClinVar:

ClinVar aggregate classification (germline): Pathogenic (1 of 4 stars; one submission).

Conditions:
Familial cancer of breast. Also called: Hereditary breast cancer; hereditary breast carcinoma; BREAST CANCER, FAMILIAL. Identifiers: Orphanet 227535, MedGen C0346153, MONDO:0016419, OMIM 114480. Disease mechanism: loss of function.

Submission:

Labcorp Genetics (formerly Invitae), Labcorp
Classification: Pathogenic for Familial cancer of breast. Last evaluated: 2020-02-26. Review status: criteria provided, single submitter. Criteria: Invitae Variant Classification Sherloc (09022015). Collection method: clinical testing. Allele origin: germline.
Comment: For these reasons, this variant has been classified as Pathogenic. Loss-of-function variants in PALB2 are known to be pathogenic (PMID: 17200668, 24136930, 25099575). This variant has not been reported in the literature in individuals with PALB2-related conditions. This variant is not present in population databases (ExAC no frequency). This sequence change creates a premature translational stop signal (p.Val423*) in the PALB2 gene. It is expected to result in an absent or disrupted protein product.

Literature cited by the submitters: PubMed 17200668; PubMed 24136930; PubMed 25099575.

NM_024675.4(PALB2):c.1263del (p.Lys422_Val423insTer)

Gene: PALB2 (partner and localizer of BRCA2; minus strand). Cytogenetic location: 16p12.2.
Variant type: Deletion.
Coding change: c.1263del on transcript NM_024675.4 (MANE Select); coding-DNA position 1263, one base deleted (G; older notation c.1263delG).
Protein change: p.Lys422_Val423insTer.
Molecular consequence: frameshift variant.
Genome position (GRCh38, 1-based): chr16:23,635,283, C deleted on the plus strand (G on the coding strand, the reverse complement: PALB2 is on the minus strand); the first of 2 consecutive C bases (chr16:23,635,283-23,635,284); deleting either gives the same sequence. VCF-style (leftmost placement, unchanged base first): chr16-23635282-TC-T. GRCh37 (hg19) VCF-style: chr16-23646603-TC-T.
Identifiers: ClinVar variation 1074345 (VCV001074345.8), dbSNP rs2142421147, ClinGen allele CA2499223439.